The following is an entry in ClinVar:

ClinVar aggregate classification (germline): Likely pathogenic. Review status: reviewed by expert panel (3 of 4 stars). 4 submissions from 4 submitters: Likely pathogenic (1). 3 of the submissions do not count toward it. Last evaluated 2023-06-27.

Conditions:
Very long chain acyl-CoA dehydrogenase deficiency (ACADVLD). Also called: VLCAD Deficiency; Very Long-Chain Acyl-Coenzyme A Dehydrogenase Deficiency. Identifiers: Orphanet 26793, MedGen C3887523, MONDO:0008723, OMIM 201475.

gnomAD v4.1: 1 of 1,614,100 alleles (0.000062%); highest among the groups gnomAD compares: Non-Finnish European, 0.000085%; no homozygotes.

Submissions (4):

ClinGen ACADVL Variant Curation Expert Panel, ClinGen
Classification: Likely pathogenic for Very long chain acyl-CoA dehydrogenase deficiency. Last evaluated: 2023-06-27. Review status: reviewed by expert panel. Criteria: clingen acadvl acmg specifications v1. Collection method: curation. Allele origin: germline. Inheritance: Autosomal recessive inheritance.
Comment: The NM_000018.4(ACADVL):c.623-1G>A variant in ACADVL occurs within the canonical splice acceptor site (-1) of intron 7. It is predicted to cause skipping of biologically-relevant-exon 8, resulting in a frameshift leading to nonsense mediated decay in a gene in which loss-of-function is an established disease mechanism (PVS1; PMIDs 9973285, 11590124). This variant is absent from gnomAD v2.1.1 (PM2_Supporting) and reported in an infant patient with dilated cardiomyopathy/sudden death, co-identified with c.932del; p.Phe311Serfs*42 in trans (PMID: 10077518). Although computational splicing predictor SpliceAI gives a score of 0.92 for acceptor loss, predicting that the variant disrupts the acceptor splice site of intron 7 of ACADVL, PP3 is not applicable since this evidence is already weighed in PVS1. In summary, this variant meets the criteria to be classified as likely pathogenic for autosomal recessive very long chain acyl-CoA dehydrogenase (VLCAD) deficiency based on the ACMG/AMP criteria applied, as specified by the ClinGen ACADVL Variant Curation Expert Panel: PVS1, PM2_Supporting.

Natera, Inc.
Classification: Pathogenic for Very long chain acyl-CoA dehydrogenase deficiency. Last evaluated: 2025-10-14. Review status: criteria provided, single submitter. Criteria: Natera Variant Classification Schema (03/2026). Collection method: clinical testing. Allele origin: germline. Not counted in ClinVar's aggregate classification.
Comment: The c.623-1G>A variant in ACADVL is a canonical splice acceptor site variant predicted to affect pre-mRNA splicing, which may result in an abnormal transcript and altered protein product. This variant is expected to result in nonsense mediated decay, truncation, or a dysfunctional protein product. This variant is rare in the general population with a frequency below the threshold expected for the associated phenotype(s). This variant has been observed in one or more individuals affected with the associated recessive disease, as either homozygous or compound heterozygous with a second variant (PMID: 10077518). Given the available evidence, this variant is classified as Pathogenic.

Labcorp Genetics (formerly Invitae), Labcorp
Classification: Likely pathogenic for Very long chain acyl-CoA dehydrogenase deficiency. Last evaluated: 2023-11-17. Review status: criteria provided, single submitter. Criteria: Invitae Variant Classification Sherloc (09022015). Collection method: clinical testing. Allele origin: germline. Not counted in ClinVar's aggregate classification.
Comment: This sequence change affects an acceptor splice site in intron 7 of the ACADVL gene. It is expected to disrupt RNA splicing. Variants that disrupt the donor or acceptor splice site typically lead to a loss of protein function (PMID: 16199547), and loss-of-function variants in ACADVL are known to be pathogenic (PMID: 9973285, 11590124). This variant is not present in population databases (gnomAD no frequency). Disruption of this splice site has been observed in individual(s) with very long-chain acyl-CoA dehydrogenase deficiency (PMID: 10077518). This variant is also known as G-1A, exon 8. ClinVar contains an entry for this variant (Variation ID: 811525). Algorithms developed to predict the effect of sequence changes on RNA splicing suggest that this variant may disrupt the consensus splice site. In summary, the currently available evidence indicates that the variant is pathogenic, but additional data are needed to prove that conclusively. Therefore, this variant has been classified as Likely Pathogenic.

ARUP Laboratories, Molecular Genetics and Genomics, ARUP Laboratories
Classification: Pathogenic for Very long chain acyl-CoA dehydrogenase deficiency. Last evaluated: 2018-11-17. Review status: criteria provided, single submitter. Criteria: ARUP Molecular Germline Variant Investigation Process. Collection method: clinical testing. Allele origin: germline. Not counted in ClinVar's aggregate classification.
Comment: The ACADVL c.623-1G>A variant is reported in the literature in an individual with suspected VLCAD deficiency that also carried a pathogenic frameshift variant in the ACADVL gene (Mathur 1999). The c.623-1G>A variant is absent from general population databases (Exome Variant Server, Genome Aggregation Database), indicating it is not a common polymorphism. This variant abolishes the canonical splice acceptor site of intron 7, which is likely to disrupt gene function. Based on available information, this variant is considered to be pathogenic. References: Mathur A et al. Molecular heterogeneity in very-long-chain acyl-CoA dehydrogenase deficiency causing pediatric cardiomyopathy and sudden death. Circulation. 1999 Mar 16;99(10):1337-43.

Literature cited by the submitters: PubMed 10077518 (cited by Natera, Inc. and Labcorp Genetics (formerly Invitae), Labcorp); PubMed 16199547 (cited by Labcorp Genetics (formerly Invitae), Labcorp); PubMed 9973285 (cited by Labcorp Genetics (formerly Invitae), Labcorp); PubMed 11590124 (cited by Labcorp Genetics (formerly Invitae), Labcorp).

NM_000018.4(ACADVL):c.623-1G>A

Gene: ACADVL (acyl-CoA dehydrogenase very long chain; plus strand). Cytogenetic location: 17p13.1.
Variant type: single nucleotide variant.
Coding change: c.623-1G>A on transcript NM_000018.4 (MANE Select); the canonical splice acceptor site of the intron before coding-DNA position 623, G replaced by A.
Molecular consequence: splice acceptor variant.
Genome position (GRCh38, 1-based): chr17:7,221,951, G>A. VCF-style: chr17-7221951-G-A. GRCh37 (hg19) VCF-style: chr17-7125270-G-A.
Other names: c.692-1G>A (NM_001270447.2); c.395-1G>A (NM_001270448.2); c.557-1G>A (NM_001033859.3); c.623-1G>A (NM_000018.3).
Identifiers: ClinVar variation 811525 (VCV000811525.13), dbSNP rs1597526782, ClinGen allele CA397723333.